The following is an entry in ClinVar:

NM_024408.4(NOTCH2):c.1607G>A (p.Cys536Tyr)

Gene: NOTCH2 (notch receptor 2; minus strand). Cytogenetic location: 1p12.
Variant type: single nucleotide variant.
Coding change: c.1607G>A on transcript NM_024408.4 (MANE Select); coding-DNA position 1607, G replaced by A.
Protein change: p.Cys536Tyr; replaces cysteine 536 with tyrosine.
Molecular consequence: missense variant.
Genome position (GRCh38, 1-based): chr1:119,965,527, C>T on the plus strand (G>A on the coding strand, the complement: NOTCH2 is on the minus strand). VCF-style: chr1-119965527-C-T. GRCh37 (hg19) VCF-style: chr1-120508150-C-T.
Other names: c.1607G>A, p.Cys536Tyr (NM_001200001.2); short protein forms C536Y.
Identifiers: ClinVar variation 4998475 (VCV004998475.1).

ClinVar aggregate classification (germline): Uncertain significance (1 of 4 stars; one submission).

Conditions:
NOTCH2-related disorder. Also called: NOTCH2-related condition.

Submission:

PreventionGenetics, part of Exact Sciences
Classification: Uncertain significance for NOTCH2-related condition. Last evaluated: 2024-11-03. Review status: criteria provided, single submitter. Criteria: ACMG Guidelines, 2015. Collection method: clinical testing. Allele origin: germline.
Comment: The NOTCH2 c.1607G>A variant is predicted to result in the amino acid substitution p.Cys536Tyr. To our knowledge, this variant has not been reported in the literature or in a large population database (gnomAD), indicating this variant is rare. At this time, the clinical significance of this variant is uncertain due to the absence of conclusive functional and genetic evidence.